The following is an entry in ClinVar:

ClinVar aggregate classification (germline): Uncertain significance (1 of 4 stars; one submission).

Allele frequency attached by ClinVar (database versions not stated): gnomAD 0.00001.
gnomAD v4.1: 3 of 763,102 alleles (0.00039%); highest among the groups gnomAD compares: Non-Finnish European, 0.00072%; no homozygotes.

Submission:

CeGaT Center for Human Genetics Tuebingen
Classification: Uncertain significance. Last evaluated: 2023-08-01. Review status: criteria provided, single submitter. Criteria: CeGaT Center For Human Genetics Tuebingen Variant Classification Criteria Version 2. Collection method: clinical testing. Allele origin: germline. Affected: yes. Observed: 2 variant alleles.
Comment: SNORD118: PM2, PM3

NR_033294.2(SNORD118):n.134A>G

Genes: SNORD118 (small nucleolar RNA, C/D box 118; minus strand), TMEM107 (transmembrane protein 107; minus strand). Cytogenetic location: 17p13.1.
Variant type: single nucleotide variant.
Molecular consequence: non-coding transcript variant (on NR_033294.2). On other transcripts: 3 prime UTR variant (5).
Genome position: GRCh38 VCF-style: chr17-8173455-T-C. GRCh37 (hg19) VCF-style: chr17-8076773-T-C.
Other names: c.*748A>G (NM_001351278.2, NM_001351279.2, NM_001351280.2 and 2 more transcripts).
Identifiers: ClinVar variation 2578783 (VCV002578783.25), dbSNP rs758058586, ClinGen allele CA287523889.